The following is an entry in ClinVar:

NM_015335.5(MED13L):c.3819G>A (p.Thr1273=)

Gene: MED13L (mediator complex subunit 13L; minus strand). Cytogenetic location: 12q24.21.
Variant type: single nucleotide variant.
Coding change: c.3819G>A on transcript NM_015335.5 (MANE Select); coding-DNA position 3819, G replaced by A.
Protein change: p.Thr1273=; no amino-acid change (threonine 1273 retained).
Molecular consequence: synonymous variant.
Genome position (GRCh38, 1-based): chr12:115,991,135, C>T on the plus strand (G>A on the coding strand, the complement: MED13L is on the minus strand). VCF-style: chr12-115991135-C-T. GRCh37 (hg19) VCF-style: chr12-116428940-C-T.
Identifiers: ClinVar variation 701533 (VCV000701533.12), dbSNP rs542711978, ClinGen allele CA6810931.

ClinVar aggregate classification (germline): Benign/Likely benign. Review status: criteria provided, multiple submitters, no conflicts (2 of 4 stars). 3 submissions from 3 submitters: Benign (1); Likely benign (2). Last evaluated 2026-08-01.

Conditions:
Dextro-looped transposition of the great arteries. Also called: Dextrotransposition of the great arteries. Identifiers: Orphanet 860, MedGen C3531771, MONDO:0019443, OMIM 608808, HP:0031348.

Allele frequency attached by ClinVar (database versions not stated): gnomAD 0.00003; gnomAD exomes 0.00003 and 0.00012; TOPMed 0.00005; ExAC 0.00012; 1000 Genomes Project 30x 0.00016; 1000 Genomes Project 0.00020.
gnomAD v4.1: 48 of 1,614,160 alleles (0.003%); highest among the groups gnomAD compares: Admixed American, 0.033%; no homozygotes.

Submissions (3):

CeGaT Center for Human Genetics Tuebingen
Classification: Likely benign. Last evaluated: 2026-08-01. Review status: criteria provided, single submitter. Criteria: CeGaT Center For Human Genetics Tuebingen Variant Classification Criteria Version 2. Collection method: clinical testing. Allele origin: germline. Affected: yes. Observed: 1 variant allele.
Comment: MED13L: BP4, BP7

Labcorp Genetics (formerly Invitae), Labcorp
Classification: Likely benign for Dextro-looped transposition of the great arteries. Last evaluated: 2025-02-07. Review status: criteria provided, single submitter. Criteria: Invitae Variant Classification Sherloc (09022015). Collection method: clinical testing. Allele origin: germline.

GeneDx
Classification: Benign. Last evaluated: 2019-07-29. Review status: criteria provided, single submitter. Criteria: GeneDx Variant Classification Process June 2021. Collection method: clinical testing. Allele origin: germline. Affected: yes.